The following is an entry in ClinVar:

ClinVar aggregate classification (germline): Likely pathogenic (1 of 4 stars; one submission).

Conditions:
Pyruvate dehydrogenase E3 deficiency (DLDD). Also called: Dihydrolipoamide Dehydrogenase (E3) Deficiency; Lipoamide dehydrogenase deficiency, lactic acidosis due to; Lipoamide dehydrogenase deficiency; DLD DEFICIENCY; E3 DEFICIENCY; Dihydrolipoamide Dehydrogenase Deficiency. Identifiers: Orphanet 2394, Orphanet 765, MedGen C5574660, MONDO:0009529, OMIM 246900.

Submission:

Myriad Genetics, Inc.
Classification: Likely pathogenic for Pyruvate dehydrogenase E3 deficiency. Last evaluated: 2022-03-03. Review status: criteria provided, single submitter. Criteria: Myriad Women's Health Autosomal Recessive and X-Linked Classification Criteria (2021). Collection method: clinical testing. Allele origin: unknown.
Comment: NM_000108.3(DLD):c.801delA(K267Nfs*8) is expected to be pathogenic in the context of dihydrolipoamide dehydrogenase deficiency. This variant is predicted to lead to an abnormal or absent protein product due to the creation of a premature termination codon in DLD, a gene where loss-of-function variants are known to be pathogenic. Please note: this variant was assessed in the context of healthy population screening.

NM_000108.5(DLD):c.801del (p.Lys267fs)

Gene: DLD (dihydrolipoamide dehydrogenase; plus strand). Cytogenetic location: 7q31.1.
Variant type: Deletion.
Coding change: c.801del on transcript NM_000108.5 (MANE Select); coding-DNA position 801, one base deleted (A; older notation c.801delA).
Protein change: p.Lys267fs; shifts the reading frame from lysine 267.
Molecular consequence: frameshift variant.
Genome position (GRCh38, 1-based): chr7:107,915,622, A deleted; the last of 5 consecutive A bases (chr7:107,915,618-107,915,622); deleting any one gives the same sequence. VCF-style (leftmost placement, unchanged base first): chr7-107915617-CA-C. GRCh37 (hg19) VCF-style: chr7-107556062-CA-C.
Other names: c.504del, p.Lys168fs (NM_001289750.1); c.732del, p.Lys244fs (NM_001289751.1); c.657del, p.Lys219fs (NM_001289752.1); short protein forms K168fs, K219fs, K244fs, K267fs.
Identifiers: ClinVar variation 1724946 (VCV001724946.2), dbSNP rs2535598734, ClinGen allele CA2580076200.
Genomic context (GRCh38, chr7:107,915,617, plus strand): 5'-GGTCATGTAGGTGGAGTTGGAATTGATATGGAGATATCTAAAAACTTTCAACGCATCCTT[CA>C]AAAACAGGGGTTTAAATTTAAATTGAATACAAAGGTTACTGGTGCTACCAAGAAGTCAGA-3'